The following is an entry in ClinVar:

NM_001037131.3(AGAP1):c.1712C>T (p.Thr571Met)

Gene: AGAP1 (ArfGAP with GTPase domain, ankyrin repeat and PH domain 1; plus strand). Cytogenetic location: 2q37.2.
Variant type: single nucleotide variant.
Coding change: c.1712C>T on transcript NM_001037131.3 (MANE Select); coding-DNA position 1712, C replaced by T.
Protein change: p.Thr571Met; replaces threonine 571 with methionine.
Molecular consequence: missense variant.
Genome position (GRCh38, 1-based): chr2:236,036,627, C>T. VCF-style: chr2-236036627-C-T. GRCh37 (hg19) VCF-style: chr2-236945271-C-T.
Other names: c.1553C>T, p.Thr518Met (NM_014914.5); short protein forms T518M, T571M.
Identifiers: ClinVar variation 1983991 (VCV001983991.6), dbSNP rs373205713, ClinGen allele CA2184989.
Genomic context (GRCh38, chr2:236,036,627, plus strand): 5'-AAGAAAATTTTGAGTTTATCATTGTGTCCCTCACTGGCCAAACATGGCACTTTGAAGCCA[C>T]GACGTATGAGGAGCGGGACGCCTGGGTCCAAGCCATCGAGAGCCAGATCCTGGCCAGCCT-3'
Protein context (NP_001032208.1, residues 561-581): LTGQTWHFEA[Thr571Met]TYEERDAWVQ

ClinVar aggregate classification (germline): Uncertain significance. Review status: criteria provided, multiple submitters, no conflicts (2 of 4 stars). 2 submissions from 2 submitters: Uncertain significance (2). Last evaluated 2024-04-19.

Allele frequency attached by ClinVar (database versions not stated): ExAC 0.00005; gnomAD 0.00006; TOPMed 0.00007; gnomAD exomes 0.00011; ESP Exome Variant Server 0.00015.
gnomAD v4.1: 169 of 1,614,080 alleles (0.01%); highest among the groups gnomAD compares: Non-Finnish European, 0.013%; no homozygotes.

Submissions (2):

Ambry Genetics
Classification: Uncertain significance. Last evaluated: 2024-04-19. Review status: criteria provided, single submitter. Criteria: Ambry Variant Classification Scheme 2023. Collection method: clinical testing. Allele origin: germline.

Labcorp Genetics (formerly Invitae), Labcorp
Classification: Uncertain significance. Last evaluated: 2023-06-30. Review status: criteria provided, single submitter. Criteria: Invitae Variant Classification Sherloc (09022015). Collection method: clinical testing. Allele origin: germline.
Comment: This sequence change replaces threonine, which is neutral and polar, with methionine, which is neutral and non-polar, at codon 518 of the AGAP1 protein (p.Thr518Met). The frequency data for this variant in the population databases is considered unreliable, as metrics indicate poor data quality at this position in the gnomAD database. This variant has not been reported in the literature in individuals affected with AGAP1-related conditions. ClinVar contains an entry for this variant (Variation ID: 1983991). An algorithm developed to predict the effect of missense changes on protein structure and function (PolyPhen-2) suggests that this variant is likely to be disruptive. In summary, the available evidence is currently insufficient to determine the role of this variant in disease. Therefore, it has been classified as a Variant of Uncertain Significance.